The following is an entry in ClinVar:

NM_001127222.2(CACNA1A):c.6189+41G>A

Gene: CACNA1A (calcium voltage-gated channel subunit alpha1 A; minus strand). Cytogenetic location: 19p13.13.
Variant type: single nucleotide variant.
Coding change: c.6189+41G>A on transcript NM_001127222.2 (MANE Select); 41 bases into the intron after coding-DNA position 6189, G replaced by A.
Molecular consequence: intron variant.
Genome position (GRCh38, 1-based): chr19:13,212,343, C>T on the plus strand (G>A on the coding strand, the complement: CACNA1A is on the minus strand). VCF-style: chr19-13212343-C-T. GRCh37 (hg19) VCF-style: chr19-13323157-C-T.
Other names: c.6192+41G>A (NM_001127221.2); c.6198+41G>A (NM_001174080.2); c.6207+41G>A (NM_000068.4, NM_023035.3).
Identifiers: ClinVar variation 677502 (VCV000677502.2), dbSNP rs7246682, ClinGen allele CA9239444.

ClinVar aggregate classification (germline): Likely benign. Review status: criteria provided, multiple submitters, no conflicts (2 of 4 stars). 2 submissions from 2 submitters: Likely benign (2). Last evaluated 2018-06-14.

Allele frequency attached by ClinVar (database versions not stated): ExAC 0.00307; gnomAD 0.00850 and 0.00901; TOPMed 0.00931; ESP Exome Variant Server 0.00970; 1000 Genomes Project 0.01178; 1000 Genomes Project 30x 0.01280; gnomAD exomes 0.00250.
gnomAD v4.1: 2,794 of 1,611,508 alleles (0.17%); highest among the groups gnomAD compares: African/African-American, 2.9%; 38 homozygotes.

Submissions (2):

GeneDx
Classification: Likely benign. Last evaluated: 2018-06-14. Review status: criteria provided, single submitter. Criteria: GeneDx Variant Classification (06012015). Collection method: clinical testing. Allele origin: germline. Affected: yes.
Comment: This variant is considered likely benign or benign based on one or more of the following criteria: it is a conservative change, it occurs at a poorly conserved position in the protein, it is predicted to be benign by multiple in silico algorithms, and/or has population frequency not consistent with disease.

Breakthrough Genomics
Classification: Likely benign. Review status: criteria provided, single submitter. Criteria: ACMG Guidelines, 2015. Collection method: not provided. Allele origin: germline. Inheritance: Autosomal dominant inheritance. Affected: yes.